The following is an entry in ClinVar:

NM_007194.4(CHEK2):c.846+2T>C

Gene: CHEK2 (checkpoint kinase 2; minus strand). Cytogenetic location: 22q12.1.
Variant type: single nucleotide variant.
Coding change: c.846+2T>C on transcript NM_007194.4 (MANE Select); the canonical splice donor site of the intron after coding-DNA position 846, T replaced by C.
Molecular consequence: splice donor variant.
Genome position (GRCh38, 1-based): chr22:28,710,004, A>G on the plus strand (T>C on the coding strand, the complement: CHEK2 is on the minus strand). VCF-style: chr22-28710004-A-G. GRCh37 (hg19) VCF-style: chr22-29105992-A-G.
Other names: c.183+2T>C (NM_001437942.1, NM_001257387.3); c.645+2T>C (NM_001349956.3); c.846+2T>C (NM_145862.3); c.939+2T>C (NM_001438295.1, NM_001438293.1); c.975+2T>C (NM_001438294.1, NM_001005735.3).
Identifiers: ClinVar variation 822465 (VCV000822465.10), dbSNP rs1601777275, ClinGen allele CA411102251.

ClinVar aggregate classification (germline): Likely pathogenic. Review status: criteria provided, multiple submitters, no conflicts (2 of 4 stars). 2 submissions from 2 submitters: Likely pathogenic (2). Last evaluated 2024-11-21.

Conditions:
Hereditary cancer-predisposing syndrome. Also called: Tumor predisposition; Hereditary Cancer Syndrome; Neoplastic Syndromes, Hereditary; Hereditary neoplastic syndrome. Identifiers: Orphanet 140162, MedGen C0027672, MeSH D009386, MONDO:0015356.
Familial cancer of breast. Also called: BREAST CANCER, FAMILIAL; Hereditary breast cancer; hereditary breast carcinoma. Identifiers: Orphanet 227535, MedGen C0346153, MONDO:0016419, OMIM 114480. Disease mechanism: loss of function.

Submissions (2):

Ambry Genetics
Classification: Likely pathogenic for Hereditary cancer-predisposing syndrome. Last evaluated: 2024-11-21. Review status: criteria provided, single submitter. Criteria: Ambry Variant Classification Scheme 2023. Collection method: clinical testing. Allele origin: germline.
Comment: The c.846+2T>C intronic variant results from a T to C substitution two nucleotides after coding exon 6 in the CHEK2 gene. This nucleotide position is highly conserved in available vertebrate species. In silico splice site analysis predicts that this alteration will weaken the native splice donor site. RNA studies have demonstrated that this alteration results in abnormal splicing in the set of samples tested (Ambry internal data). Alterations that disrupt the canonical splice site are expected to cause aberrant splicing, resulting in an abnormal protein or a transcript that is subject to nonsense-mediated mRNA decay. As such, this alteration is classified as likely pathogenic.

Labcorp Genetics (formerly Invitae), Labcorp
Classification: Likely pathogenic for Familial cancer of breast. Last evaluated: 2024-05-13. Review status: criteria provided, single submitter. Criteria: Invitae Variant Classification Sherloc (09022015). Collection method: clinical testing. Allele origin: germline.
Comment: This sequence change affects a donor splice site in intron 7 of the CHEK2 gene. It is expected to disrupt RNA splicing. Variants that disrupt the donor or acceptor splice site typically lead to a loss of protein function (PMID: 16199547), and loss-of-function variants in CHEK2 are known to be pathogenic (PMID: 21876083, 24713400). This variant is not present in population databases (gnomAD no frequency). This variant has not been reported in the literature in individuals affected with CHEK2-related conditions. ClinVar contains an entry for this variant (Variation ID: 822465). Algorithms developed to predict the effect of sequence changes on RNA splicing suggest that this variant may disrupt the consensus splice site. In summary, the currently available evidence indicates that the variant is pathogenic, but additional data are needed to prove that conclusively. Therefore, this variant has been classified as Likely Pathogenic.

Literature cited by the submitters: PubMed 16199547 (cited by Labcorp Genetics (formerly Invitae), Labcorp); PubMed 21876083 (cited by Labcorp Genetics (formerly Invitae), Labcorp); PubMed 24713400 (cited by Labcorp Genetics (formerly Invitae), Labcorp).